The following is an entry in ClinVar:

NM_000051.4(ATM):c.2860C>A (p.Leu954Ile)

Gene: ATM (ATM serine/threonine kinase; plus strand). Cytogenetic location: 11q22.3.
Variant type: single nucleotide variant.
Coding change: c.2860C>A on transcript NM_000051.4 (MANE Select); coding-DNA position 2860, C replaced by A.
Protein change: p.Leu954Ile; replaces leucine 954 with isoleucine.
Molecular consequence: missense variant.
Genome position (GRCh38, 1-based): chr11:108,271,085, C>A. VCF-style: chr11-108271085-C-A. GRCh37 (hg19) VCF-style: chr11-108141812-C-A.
Other names: c.2860C>A, p.Leu954Ile (NM_001351834.2); short protein forms L954I.
Identifiers: ClinVar variation 4825496 (VCV004825496.1).

ClinVar aggregate classification (germline): Uncertain significance (1 of 4 stars; one submission).

Conditions:
Hereditary cancer-predisposing syndrome. Also called: Neoplastic Syndromes, Hereditary; Tumor predisposition; Hereditary Cancer Syndrome; Hereditary neoplastic syndrome. Identifiers: Orphanet 140162, MedGen C0027672, MeSH D009386, MONDO:0015356.

Submission:

Ambry Genetics
Classification: Uncertain significance for Hereditary cancer-predisposing syndrome. Last evaluated: 2026-01-18. Review status: criteria provided, single submitter. Criteria: Ambry Variant Classification Scheme 2023. Collection method: clinical testing. Allele origin: germline.
Comment: The p.L954I variant (also known as c.2860C>A), located in coding exon 18 of the ATM gene, results from a C to A substitution at nucleotide position 2860. The leucine at codon 954 is replaced by isoleucine, an amino acid with highly similar properties. This amino acid position is conserved. In addition, the in silico prediction for this alteration is inconclusive. Based on the available evidence, the clinical significance of this variant remains unclear.